The following is an entry in ClinVar:

ClinVar aggregate classification (germline): Benign (0 of 4 stars; one submission).

Conditions:
SOX8-related disorder. Also called: SOX8-related condition.

Allele frequency attached by ClinVar (database versions not stated): ESP Exome Variant Server 0.01327; 1000 Genomes Project 30x 0.00344; 1000 Genomes Project 0.00359; TOPMed 0.01142; ExAC 0.01300.
gnomAD v4.1: 28,819 of 1,612,138 alleles (1.8%); highest among the groups gnomAD compares: Non-Finnish European, 2.2%; 296 homozygotes.

Submission:

PreventionGenetics, part of Exact Sciences
Classification: Benign for SOX8-related condition. Last evaluated: 2019-06-25. Review status: no assertion criteria provided. Collection method: clinical testing. Allele origin: germline.
Comment: This variant is classified as benign based on ACMG/AMP sequence variant interpretation guidelines (Richards et al. 2015 PMID: 25741868, with internal and published modifications).

NM_014587.5(SOX8):c.1200C>T (p.Pro400=)

Gene: SOX8 (SRY-box transcription factor 8; plus strand). Cytogenetic location: 16p13.3.
Variant type: single nucleotide variant.
Coding change: c.1200C>T on transcript NM_014587.5 (MANE Select); coding-DNA position 1200, C replaced by T.
Protein change: p.Pro400=; no amino-acid change (proline 400 retained).
Molecular consequence: synonymous variant.
Genome position (GRCh38, 1-based): chr16:985,245, C>T. VCF-style: chr16-985245-C-T. GRCh37 (hg19) VCF-style: chr16-1035245-C-T.
Identifiers: ClinVar variation 3057149 (VCV003057149.2), dbSNP rs112081163, ClinGen allele CA7798392.